The following is an entry in ClinVar:

NM_004168.4(SDHA):c.-1C>T

Gene: SDHA (succinate dehydrogenase complex flavoprotein subunit A; plus strand). Cytogenetic location: 5p15.33.
Variant type: single nucleotide variant.
Coding change: c.-1C>T on transcript NM_004168.4 (MANE Select); 1 bases upstream of the start codon, C replaced by T.
Molecular consequence: 5 prime UTR variant.
Genome position (GRCh38, 1-based): chr5:218,355, C>T. VCF-style: chr5-218355-C-T. GRCh37 (hg19) VCF-style: chr5-218470-C-T.
Other names: c.-1C>T (NM_001294332.2, NM_001330758.2, NM_004168.3).
Identifiers: ClinVar variation 353200 (VCV000353200.17), dbSNP rs560932680, ClinGen allele CA3172673.

ClinVar aggregate classification (germline): Conflicting classifications of pathogenicity. Review status: criteria provided, conflicting classifications (1 of 4 stars). 10 submissions from 8 submitters: Uncertain significance (8); Likely benign (2). Last evaluated 2025-07-17.

Conditions:
SDHA-related disorder. Also called: SDHA-related disorders; SDHA-related condition.
Hereditary pheochromocytoma and paraganglioma. Also called: Hereditary Paraganglioma-Pheochromocytoma Syndromes; Hereditary pheochromocytoma-paraganglioma; Hereditary paragangliomas and pheochromocytomas. Identifiers: Orphanet 29072, MedGen C4274332, MONDO:0017366.
Mitochondrial complex II deficiency, nuclear type 1. Also called: SUCCINATE CoQ REDUCTASE DEFICIENCY. Identifiers: Orphanet 3208, MedGen C5700310, MONDO:0100294, OMIM 252011.
Pheochromocytoma/paraganglioma syndrome 5. Also called: SDHA-Related Hereditary Paraganglioma-Pheochromocytoma Syndrome; Paragangliomas 5. Identifiers: Orphanet 29072, MedGen C3279992, MONDO:0013602, OMIM 614165.
Neurodegeneration with ataxia and late-onset optic atrophy. Identifiers: MedGen C5543254, MONDO:0031006, OMIM 619259.
Dilated cardiomyopathy 1GG (CMD1GG). Identifiers: Orphanet 154, MedGen C3150898, MONDO:0013339, OMIM 613642.
Leigh syndrome (NULS). Also called: Leigh Disease; Leigh Syndrome (mtDNA deletion); Leigh's necrotizing encephalopathy; Leigh's disease; Leigh's syndrome; LEIGH SYNDROME, NUCLEAR. Identifiers: Orphanet 506, MedGen C2931891, MONDO:0009723, OMIM 256000.
Hereditary cancer-predisposing syndrome. Also called: Hereditary neoplastic syndrome; Neoplastic Syndromes, Hereditary; Hereditary Cancer Syndrome; Tumor predisposition. Identifiers: Orphanet 140162, MedGen C0027672, MeSH D009386, MONDO:0015356.

Allele frequency attached by ClinVar (database versions not stated): TOPMed 0.00006.
gnomAD v4.1: 19 of 1,460,874 alleles (0.0013%); highest among the groups gnomAD compares: Admixed American, 0.027%; no homozygotes.

Submissions (10):

Mayo Clinic Laboratories, Mayo Clinic
Classification: Likely benign. Last evaluated: 2025-07-17. Review status: criteria provided, single submitter. Criteria: ACMG Guidelines, 2015. Collection method: clinical testing. Allele origin: germline. Observed: 1 variant allele.
Comment: BP4, BP7

PreventionGenetics, part of Exact Sciences
Classification: Uncertain significance for SDHA-related condition. Last evaluated: 2025-04-09. Review status: criteria provided, single submitter. Criteria: ACMG Guidelines, 2015. Collection method: clinical testing. Allele origin: germline.
Comment: The SDHA c.-1C>T variant is located in the 5' untranslated region. To our knowledge, this variant has not been reported in the literature. This variant is reported in 0.032% of alleles in individuals of Latino descent in gnomAD and has conflicting interpretations of pathogenicity in ClinVar ranging from likely benign to uncertain. At this time, the clinical significance of this variant is uncertain due to the absence of conclusive functional and genetic evidence.

Quest Diagnostics Nichols Institute San Juan Capistrano
Classification: Uncertain significance. Last evaluated: 2024-10-22. Review status: criteria provided, single submitter. Criteria: Quest Diagnostics criteria. Collection method: clinical testing. Allele origin: unknown.
Comment: The SDHA c.-1C>T variant has not been reported in individuals with SDHA-related conditions in the published literature. The frequency of this variant in the general population, 0.00032 (5/15730 chromosomes in Admixed American subpopulation (Genome Aggregation Database)), is higher than would generally be expected for pathogenic variants in this gene. Based on the available information, we are unable to determine the clinical significance of this variant.

Fulgent Genetics
Classification: Uncertain significance for Mitochondrial complex II deficiency, nuclear type 1; Dilated cardiomyopathy 1GG; Pheochromocytoma/paraganglioma syndrome 5; Neurodegeneration with ataxia and late-onset optic atrophy. Last evaluated: 2024-04-24. Review status: criteria provided, single submitter. Criteria: ACMG Guidelines, 2015. Collection method: clinical testing. Allele origin: germline.

Ambry Genetics
Classification: Uncertain significance for Hereditary cancer-predisposing syndrome. Last evaluated: 2024-01-09. Review status: criteria provided, single submitter. Criteria: Ambry Variant Classification Scheme 2023. Collection method: clinical testing. Allele origin: germline.
Comment: The c.-1C>T variant is located in the 5' untranslated region (5&rsquo; UTR) of the SDHA gene. This variant results from a C to T substitution 1 bases upstream from the first translated codon. This nucleotide position is well conserved in available vertebrate species. Since supporting evidence is limited at this time, the clinical significance of this alteration remains unclear.

GeneDx
Classification: Uncertain significance. Last evaluated: 2023-04-18. Review status: criteria provided, single submitter. Criteria: GeneDx Variant Classification Process June 2021. Collection method: clinical testing. Allele origin: germline. Affected: yes.
Comment: Has not been previously published as pathogenic or benign to our knowledge; Alters the Kozak sequence, the conserved nucleotides just upstream of the ATG start codon, which play a major role in the initiation of translation

Revvity Omics, Revvity
Classification: Uncertain significance. Last evaluated: 2022-10-13. Review status: criteria provided, single submitter. Criteria: ACMG Guidelines, 2015. Collection method: clinical testing. Allele origin: germline.

Illumina Laboratory Services, Illumina
Classification: Likely benign for Hereditary Paraganglioma-Pheochromocytoma Syndromes. Last evaluated: 2018-01-12. Review status: criteria provided, single submitter. Criteria: ICSL Variant Classification Criteria 13 December 2019. Collection method: clinical testing. Allele origin: germline.
Comment: This variant was observed in the ICSL laboratory as part of a predisposition screen in an ostensibly healthy population. It had not been previously curated by ICSL or reported in the Human Gene Mutation Database (HGMD: prior to June 1st, 2018), and was therefore a candidate for classification through an automated scoring system. Utilizing variant allele frequency, disease prevalence and penetrance estimates, and inheritance mode, an automated score was calculated to assess if this variant is too frequent to cause the disease. Based on the score and internal cut-off values, a variant classified as likely benign is not then subjected to further curation. The score for this variant resulted in a classification of likely benign for this disease.

Illumina Laboratory Services, Illumina
Classification: Uncertain significance for Leigh syndrome. Last evaluated: 2018-01-12. Review status: criteria provided, single submitter. Criteria: ICSL Variant Classification Criteria 13 December 2019. Collection method: clinical testing. Allele origin: germline.

Illumina Laboratory Services, Illumina
Classification: Uncertain significance for Mitochondrial complex II deficiency, nuclear type 1. Last evaluated: 2018-01-12. Review status: criteria provided, single submitter. Criteria: ICSL Variant Classification Criteria 13 December 2019. Collection method: clinical testing. Allele origin: germline.